The following is an entry in ClinVar:

NM_006941.4(SOX10):c.610C>T (p.Gln204Ter)

Genes: POLR2F (RNA polymerase II, I and III subunit F; plus strand), SOX10 (SRY-box transcription factor 10; minus strand). Cytogenetic location: 22q13.1.
Variant type: single nucleotide variant.
Coding change: c.610C>T on transcript NM_006941.4 (MANE Select); coding-DNA position 610, C replaced by T.
Protein change: p.Gln204Ter; replaces glutamine 204 with a stop codon.
Molecular consequence: nonsense. On other transcripts: intron variant (3).
Genome position (GRCh38, 1-based): chr22:37,977,954, G>A on the plus strand (C>T on the coding strand, the complement: SOX10 is on the minus strand). VCF-style: chr22-37977954-G-A. GRCh37 (hg19) VCF-style: chr22-38373961-G-A.
Other names: c.*38+5644G>A (NM_001363825.1); c.294-8200G>A (NM_001301130.2); c.293+10784G>A (NM_001301131.2); short protein forms Q204*.
Identifiers: ClinVar variation 1687264 (VCV001687264.2), dbSNP rs2145768136, ClinGen allele CA411497455.
Genomic context (GRCh38, chr22:37,977,954, plus strand): 5'-ACATGGGGGAGCCCTCTCCTGGGTGCCGGTGGTCCAAGTGGGCGCTCTTGTAGTGGGCCT[G>A]GATGGCGGCGGTCCCACCTTGCTCGGCCTCCCCACCGGGGCACTCCGCCTCGCCCTGGGC-3'

ClinVar aggregate classification (germline): Likely pathogenic (1 of 4 stars; one submission).

Conditions:
Waardenburg syndrome type 4C (WS4C). Also called: WAARDENBURG SYNDROME WITH HIRSCHSPRUNG DISEASE, TYPE 4C. Identifiers: Orphanet 897, MedGen C2750452, MONDO:0013202, OMIM 613266.

Submission:

3billion
Classification: Likely pathogenic for Waardenburg syndrome type 4C. Last evaluated: 2022-05-22. Review status: criteria provided, single submitter. Criteria: ACMG Guidelines, 2015. Collection method: clinical testing. Allele origin: germline. Affected: yes. Observed: 1 heterozygote.
Comment: The variant is not observed in the gnomAD v2.1.1 dataset. Stop-gained (nonsense): predicted to result in a loss or disruption of normal protein function through nonsense-mediated decay (NMD) or protein truncation. Multiple pathogenic variants are reported downstream of the variant. Therefore, this variant is classified as likely pathogenic according to the recommendation of ACMG/AMP guideline.